The following is an entry in ClinVar:

ClinVar aggregate classification (germline): Uncertain significance (1 of 4 stars; one submission).

Submission:

Labcorp Genetics (formerly Invitae), Labcorp
Classification: Uncertain significance. Last evaluated: 2022-02-19. Review status: criteria provided, single submitter. Criteria: Invitae Variant Classification Sherloc (09022015). Collection method: clinical testing. Allele origin: germline.
Comment: In summary, the available evidence is currently insufficient to determine the role of this variant in disease. Therefore, it has been classified as a Variant of Uncertain Significance. Algorithms developed to predict the effect of missense changes on protein structure and function are either unavailable or do not agree on the potential impact of this missense change (SIFT: "Deleterious"; PolyPhen-2: "Benign"; Align-GVGD: "Class C0"). This variant has not been reported in the literature in individuals affected with PSMA3-related conditions. This variant is not present in population databases (gnomAD no frequency). This sequence change replaces glutamic acid, which is acidic and polar, with lysine, which is basic and polar, at codon 32 of the PSMA3 protein (p.Glu32Lys).

NM_002788.4(PSMA3):c.94G>A (p.Glu32Lys)

Gene: PSMA3 (proteasome 20S subunit alpha 3; plus strand). Cytogenetic location: 14q23.1.
Variant type: single nucleotide variant.
Coding change: c.94G>A on transcript NM_002788.4 (MANE Select); coding-DNA position 94, G replaced by A.
Protein change: p.Glu32Lys; replaces glutamic acid 32 with lysine.
Molecular consequence: missense variant.
Genome position (GRCh38, 1-based): chr14:58,247,822, G>A. VCF-style: chr14-58247822-G-A. GRCh37 (hg19) VCF-style: chr14-58714540-G-A.
Other names: c.94G>A, p.Glu32Lys (NM_152132.3); short protein forms E32K.
Identifiers: ClinVar variation 1966344 (VCV001966344.5), dbSNP rs2502934465, ClinGen allele CA389846583.